The following is an entry in ClinVar:

NM_004357.5(CD151):c.527_533del (p.Gly176fs)

Gene: CD151 (CD151 molecule (Raph blood group); plus strand). Cytogenetic location: 11p15.5.
Variant type: Deletion.
Coding change: c.527_533del on transcript NM_004357.5 (MANE Select); coding-DNA positions 527 to 533, 7 bases deleted (GTGGCCG; older notation c.527_533delGTGGCCG).
Protein change: p.Gly176fs; shifts the reading frame from glycine 176.
Molecular consequence: frameshift variant.
Genome position (GRCh38, 1-based): chr11:837,530-837,536, GTGGCCG deleted; deleting any 7 consecutive bases within chr11:837,525-837,536 gives the same sequence; the c. name uses the placement nearest the transcript's 3' end. VCF-style (leftmost placement, unchanged base first): chr11-837524-AGGCCGGT-A. GRCh37 (hg19) VCF-style: chr11-837524-AGGCCGGT-A.
Other names: c.527_533del, p.Gly176fs (NM_001039490.2, NM_139029.2, NM_139030.4); short protein forms G176fs.
Identifiers: ClinVar variation 4976588 (VCV004976588.1).
Genomic context (GRCh38, chr11:837,524, plus strand): 5'-ACTGCTGTGGCAGCAACAACTCACAGGACTGGCGAGACAGTGAGTGGATCCGCTCACAGG[AGGCCGGT>A]GGCCGTGTGGTCCCAGACAGCTGCTGCAAGACGGTGGTGGCTCTTTGTGGGCAGCGAGAC-3'

ClinVar aggregate classification (germline): Uncertain significance (1 of 4 stars; one submission).

Submission:

GeneDx
Classification: Uncertain significance. Last evaluated: 2026-02-11. Review status: criteria provided, single submitter. Criteria: GeneDx Variant Classification Process June 2021. Collection method: clinical testing. Allele origin: germline.
Comment: Not observed at significant frequency in large population cohorts (gnomAD); Has not been previously published as pathogenic or benign to our knowledge; Frameshift variant predicted to result in abnormal protein length as the last 78 amino acid(s) are replaced with 43 different amino acid(s) with an unclear effect on protein function